The following is an entry in ClinVar:

NM_000388.4(CASR):c.857G>A (p.Arg286His)

Gene: CASR (calcium sensing receptor; plus strand). Cytogenetic location: 3q21.1.
Variant type: single nucleotide variant.
Coding change: c.857G>A on transcript NM_000388.4 (MANE Select); coding-DNA position 857, G replaced by A.
Protein change: p.Arg286His; replaces arginine 286 with histidine.
Molecular consequence: missense variant.
Genome position (GRCh38, 1-based): chr3:122,261,892, G>A. VCF-style: chr3-122261892-G-A. GRCh37 (hg19) VCF-style: chr3-121980739-G-A.
Other names: c.857G>A, p.Arg286His (NM_001178065.2); short protein forms R286H.
Identifiers: ClinVar variation 575594 (VCV000575594.10), dbSNP rs922511747, ClinGen allele CA82738600.

ClinVar aggregate classification (germline): Conflicting classifications of pathogenicity. Review status: criteria provided, conflicting classifications (1 of 4 stars). 3 submissions from 3 submitters: Uncertain significance (2); Likely benign (1). Last evaluated 2025-09-08.

Conditions:
Familial hypocalciuric hypercalcemia (FHH). Also called: Familial benign hypercalcemia. Identifiers: Orphanet 405, MedGen C1809471, MONDO:0018458.
Autosomal dominant hypocalcemia 1 (HYPOC1). Also called: HYPOCALCEMIA, FAMILIAL. Identifiers: MedGen C3715128, MONDO:0011013, OMIM 601198.
Nephrolithiasis/nephrocalcinosis. Identifiers: MedGen CN580796.
Familial hypocalciuric hypercalcemia 1. Also called: Hypercalcemia, familial benign type 1. Identifiers: Orphanet 405, Orphanet 93372, MedGen C0342637, MONDO:0007791, OMIM 145980.
Neonatal severe primary hyperparathyroidism. Identifiers: Orphanet 417, MedGen C1832615, MONDO:0009397, OMIM 239200.
Epilepsy, idiopathic generalized, susceptibility to, 8. Identifiers: MedGen C2752062, MONDO:0013032, OMIM 612899.

Allele frequency attached by ClinVar (database versions not stated): gnomAD exomes below 0.00001; TOPMed below 0.00001; gnomAD 0.00001.

Submissions (3):

Labcorp Genetics (formerly Invitae), Labcorp
Classification: Likely benign for Familial hypocalciuric hypercalcemia; Autosomal dominant hypocalcemia 1. Last evaluated: 2025-09-08. Review status: criteria provided, single submitter. Criteria: Invitae Variant Classification Sherloc (09022015). Collection method: clinical testing. Allele origin: germline.

Ambry Genetics
Classification: Uncertain significance for Nephrolithiasis/nephrocalcinosis. Last evaluated: 2024-05-07. Review status: criteria provided, single submitter. Criteria: Ambry Variant Classification Scheme 2023. Collection method: clinical testing. Allele origin: germline.
Comment: The p.R286H variant (also known as c.857G>A), located in coding exon 3 of the CASR gene, results from a G to A substitution at nucleotide position 857. The arginine at codon 286 is replaced by histidine, an amino acid with highly similar properties. This amino acid position is well conserved in available vertebrate species. In addition, the in silico prediction for this alteration is inconclusive. Based on the available evidence, the clinical significance of this variant remains unclear.

Fulgent Genetics
Classification: Uncertain significance for Familial hypocalciuric hypercalcemia 1; Neonatal severe primary hyperparathyroidism; Autosomal dominant hypocalcemia 1; Epilepsy, idiopathic generalized, susceptibility to, 8. Last evaluated: 2022-01-19. Review status: criteria provided, single submitter. Criteria: ACMG Guidelines, 2015. Collection method: clinical testing. Allele origin: unknown.